The following is an entry in ClinVar:

NM_025179.4(PLXNA2):c.4555G>C (p.Val1519Leu)

Gene: PLXNA2 (plexin A2; minus strand). Cytogenetic location: 1q32.2.
Variant type: single nucleotide variant.
Coding change: c.4555G>C on transcript NM_025179.4 (MANE Select); coding-DNA position 4555, G replaced by C.
Protein change: p.Val1519Leu; replaces valine 1519 with leucine.
Molecular consequence: missense variant.
Genome position (GRCh38, 1-based): chr1:208,038,930, C>G on the plus strand (G>C on the coding strand, the complement: PLXNA2 is on the minus strand). VCF-style: chr1-208038930-C-G. GRCh37 (hg19) VCF-style: chr1-208212275-C-G.
Other names: short protein forms V1519L.
Identifiers: ClinVar variation 3346853 (VCV003346853.1).

ClinVar aggregate classification (germline): Uncertain significance (0 of 4 stars; one submission).

Conditions:
PLXNA2-related disorder. Also called: PLXNA2-related condition.

Submission:

PreventionGenetics, part of Exact Sciences
Classification: Uncertain significance for PLXNA2-related condition. Last evaluated: 2024-07-09. Review status: no assertion criteria provided. Collection method: clinical testing. Allele origin: germline.
Comment: The PLXNA2 c.4555G>C variant is predicted to result in the amino acid substitution p.Val1519Leu. To our knowledge, this variant has not been reported in the literature or in a large population database, indicating this variant is rare. At this time, the clinical significance of this variant is uncertain due to the absence of conclusive functional and genetic evidence.